The following is an entry in ClinVar:

NM_001040142.2(SCN2A):c.2167C>A (p.Gln723Lys)

Gene: SCN2A (sodium voltage-gated channel alpha subunit 2; plus strand). Cytogenetic location: 2q24.3.
Variant type: single nucleotide variant.
Coding change: c.2167C>A on transcript NM_001040142.2 (MANE Select); coding-DNA position 2167, C replaced by A.
Protein change: p.Gln723Lys; replaces glutamine 723 with lysine.
Molecular consequence: missense variant.
Genome position (GRCh38, 1-based): chr2:165,331,347, C>A. VCF-style: chr2-165331347-C-A. GRCh37 (hg19) VCF-style: chr2-166187857-C-A.
Other names: c.2167C>A, p.Gln723Lys (NM_001040143.2, NM_001371246.1, NM_001371247.1 and 1 more transcripts); short protein forms Q723K.
Identifiers: ClinVar variation 1199983 (VCV001199983.8), dbSNP rs1553574506, ClinGen allele CA349030491.

ClinVar aggregate classification (germline): Uncertain significance. Review status: criteria provided, multiple submitters, no conflicts (2 of 4 stars). 2 submissions from 2 submitters: Uncertain significance (2). Last evaluated 2023-04-24.

Conditions:
Developmental and epileptic encephalopathy, 11 (DEE11). Also called: Early infantile epileptic encephalopathy 11. Identifiers: Orphanet 1934, MedGen C3150987, MONDO:0013388, OMIM 613721.
Seizures, benign familial infantile, 3 (BFIS3). Also called: Familial neonatal seizures; CONVULSIONS, BENIGN FAMILIAL INFANTILE, 3. Identifiers: Orphanet 140927, Orphanet 306, MedGen C1843140, MONDO:0011904, OMIM 607745.

Submissions (2):

Labcorp Genetics (formerly Invitae), Labcorp
Classification: Uncertain significance for Seizures, benign familial infantile, 3; Developmental and epileptic encephalopathy, 11. Last evaluated: 2023-04-24. Review status: criteria provided, single submitter. Criteria: Invitae Variant Classification Sherloc (09022015). Collection method: clinical testing. Allele origin: germline.
Comment: In summary, the available evidence is currently insufficient to determine the role of this variant in disease. Therefore, it has been classified as a Variant of Uncertain Significance. Advanced modeling of protein sequence and biophysical properties (such as structural, functional, and spatial information, amino acid conservation, physicochemical variation, residue mobility, and thermodynamic stability) has been performed at Invitae for this missense variant, however the output from this modeling did not meet the statistical confidence thresholds required to predict the impact of this variant on SCN2A protein function. ClinVar contains an entry for this variant (Variation ID: 1199983). This variant has not been reported in the literature in individuals affected with SCN2A-related conditions. This variant is not present in population databases (gnomAD no frequency). This sequence change replaces glutamine, which is neutral and polar, with lysine, which is basic and polar, at codon 723 of the SCN2A protein (p.Gln723Lys).

GeneDx
Classification: Uncertain significance. Last evaluated: 2019-07-23. Review status: criteria provided, single submitter. Criteria: GeneDx Variant Classification Process June 2021. Collection method: clinical testing. Allele origin: germline. Affected: yes.
Comment: Not observed in large population cohorts (Lek et al., 2016); The majority of missense variants in this gene are considered pathogenic (Stenson et al., 2014); In silico analysis, which includes protein predictors and evolutionary conservation, supports a deleterious effect; Has not been previously published as pathogenic or benign to our knowledge